The following is an entry in ClinVar:

ClinVar aggregate classification (germline): Likely benign (1 of 4 stars; one submission).

Allele frequency attached by ClinVar (database versions not stated): ExAC 0.00012; 1000 Genomes Project 30x 0.00031; 1000 Genomes Project 0.00040; ESP Exome Variant Server 0.00062.
gnomAD v4.1: 195 of 1,606,738 alleles (0.012%); highest among the groups gnomAD compares: African/African-American, 0.18%; no homozygotes.

Submission:

CeGaT Center for Human Genetics Tuebingen
Classification: Likely benign. Last evaluated: 2022-09-01. Review status: criteria provided, single submitter. Criteria: CeGaT Center For Human Genetics Tuebingen Variant Classification Criteria Version 2. Collection method: clinical testing. Allele origin: germline. Affected: yes. Observed: 1 variant allele.
Comment: CPED1: BP4

NM_024913.5(CPED1):c.1010C>T (p.Ala337Val)

Gene: CPED1 (cadherin like and PC-esterase domain containing 1; plus strand). Cytogenetic location: 7q31.31.
Variant type: single nucleotide variant.
Coding change: c.1010C>T on transcript NM_024913.5 (MANE Select); coding-DNA position 1010, C replaced by T.
Protein change: p.Ala337Val; replaces alanine 337 with valine.
Molecular consequence: missense variant.
Genome position (GRCh38, 1-based): chr7:121,124,422, C>T. VCF-style: chr7-121124422-C-T. GRCh37 (hg19) VCF-style: chr7-120764476-C-T.
Other names: c.1010C>T, p.Ala337Val (NM_001105533.1); short protein forms A337V.
Identifiers: ClinVar variation 2657966 (VCV002657966.24), dbSNP rs148370748, ClinGen allele CA4454787.